The following is an entry in ClinVar:

ClinVar aggregate classification (germline): Uncertain significance (1 of 4 stars; one submission).

Conditions:
Congenital contractural arachnodactyly (CCA). Also called: BEALS SYNDROME; Beals-Hecht syndrome; Arthrogryposis, distal, type 9. Identifiers: Orphanet 115, MedGen C0220668, MONDO:0007363, OMIM 121050.

Submission:

Labcorp Genetics (formerly Invitae), Labcorp
Classification: Uncertain significance for Congenital contractural arachnodactyly. Last evaluated: 2025-11-23. Review status: criteria provided, single submitter. Criteria: Invitae Variant Classification Sherloc (09022015). Collection method: clinical testing. Allele origin: germline.
Comment: This sequence change replaces proline, which is neutral and non-polar, with serine, which is neutral and polar, at codon 444 of the FBN2 protein (p.Pro444Ser). This variant is not present in population databases (gnomAD no frequency). This variant has not been reported in the literature in individuals affected with FBN2-related conditions. Invitae Evidence Modeling of protein sequence and biophysical properties (such as structural, functional, and spatial information, amino acid conservation, physicochemical variation, residue mobility, and thermodynamic stability) indicates that this missense variant is not expected to disrupt FBN2 protein function with a negative predictive value of 95%. In summary, the available evidence is currently insufficient to determine the role of this variant in disease. Therefore, it has been classified as a Variant of Uncertain Significance.

NM_001999.4(FBN2):c.1330C>T (p.Pro444Ser)

Gene: FBN2 (fibrillin 2; minus strand). Cytogenetic location: 5q23.3.
Variant type: single nucleotide variant.
Coding change: c.1330C>T on transcript NM_001999.4 (MANE Select); coding-DNA position 1330, C replaced by T.
Protein change: p.Pro444Ser; replaces proline 444 with serine.
Molecular consequence: missense variant.
Genome position (GRCh38, 1-based): chr5:128,393,270, G>A on the plus strand (C>T on the coding strand, the complement: FBN2 is on the minus strand). VCF-style: chr5-128393270-G-A. GRCh37 (hg19) VCF-style: chr5-127728963-G-A.
Other names: short protein forms P444S.
Identifiers: ClinVar variation 4801544 (VCV004801544.1).